The following is an entry in ClinVar:

NM_001605.3(AARS1):c.1492+304T>C

Gene: AARS1 (alanyl-tRNA synthetase 1; minus strand). Cytogenetic location: 16q22.1.
Variant type: single nucleotide variant.
Coding change: c.1492+304T>C on transcript NM_001605.3 (MANE Select); 304 bases into the intron after coding-DNA position 1492, T replaced by C.
Molecular consequence: intron variant.
Genome position (GRCh38, 1-based): chr16:70,264,654, A>G on the plus strand (T>C on the coding strand, the complement: AARS1 is on the minus strand). VCF-style: chr16-70264654-A-G. GRCh37 (hg19) VCF-style: chr16-70298557-A-G.
Identifiers: ClinVar variation 673436 (VCV000673436.1), dbSNP rs80256286, ClinGen allele CA16526918.

ClinVar aggregate classification (germline): Benign (1 of 4 stars; one submission).

Allele frequency attached by ClinVar (database versions not stated): gnomAD 0.07194 and 0.07726; TOPMed 0.07953; 1000 Genomes Project 0.08407; 1000 Genomes Project 30x 0.08885.
gnomAD v4.1: 10,870 of 152,108 alleles (7.1%); highest among the groups gnomAD compares: African/African-American, 25%; 1,308 homozygotes.

Submission:

GeneDx
Classification: Benign. Last evaluated: 2018-06-16. Review status: criteria provided, single submitter. Criteria: GeneDx Variant Classification (06012015). Collection method: clinical testing. Allele origin: germline. Affected: yes.
Comment: This variant is considered likely benign or benign based on one or more of the following criteria: it is a conservative change, it occurs at a poorly conserved position in the protein, it is predicted to be benign by multiple in silico algorithms, and/or has population frequency not consistent with disease.